The following is an entry in ClinVar:

NM_020911.2(PLXNA4):c.3998C>T (p.Pro1333Leu)

Gene: PLXNA4 (plexin A4; minus strand). Cytogenetic location: 7q32.3.
Variant type: single nucleotide variant.
Coding change: c.3998C>T on transcript NM_020911.2 (MANE Select); coding-DNA position 3998, C replaced by T.
Protein change: p.Pro1333Leu; replaces proline 1333 with leucine.
Molecular consequence: missense variant.
Genome position (GRCh38, 1-based): chr7:132,174,797, G>A on the plus strand (C>T on the coding strand, the complement: PLXNA4 is on the minus strand). VCF-style: chr7-132174797-G-A. GRCh37 (hg19) VCF-style: chr7-131859556-G-A.
Other names: c.3998C>T, p.Pro1333Leu (NM_001393897.1); short protein forms P1333L.
Identifiers: ClinVar variation 4998184 (VCV004998184.1).
Genomic context (GRCh38, chr7:132,174,797, plus strand): 5'-GCTCCCCTGCTCTAATGCCAGGATGGAGCACTGCTTCTCACCTCAAGGTCCCGGAGGACA[G>A]GGTGGTCTTCAATTCCTGGGAACAGCACCCGCATGGTGTAAGTTCTATAGTCCAGGAACG-3'
Protein context (NP_065962.1, residues 1323-1343): RVLFPGIEDH[Pro1333Leu]VLRDLEVPGY

ClinVar aggregate classification (germline): Uncertain significance (1 of 4 stars; one submission).

Conditions:
PLXNA4-related disorder. Also called: PLXNA4-related condition.

gnomAD v4.1: 1 of 1,614,152 alleles (0.000062%); highest among the groups gnomAD compares: Non-Finnish European, 0.000085%; no homozygotes.

Submission:

PreventionGenetics, part of Exact Sciences
Classification: Uncertain significance for PLXNA4-related condition. Last evaluated: 2025-01-22. Review status: criteria provided, single submitter. Criteria: ACMG Guidelines, 2015. Collection method: clinical testing. Allele origin: germline.
Comment: The PLXNA4 c.3998C>T variant is predicted to result in the amino acid substitution p.Pro1333Leu. To our knowledge, this variant has not been reported in the literature or in a large population database (gnomAD), indicating this variant is rare. At this time, the clinical significance of this variant is uncertain due to the absence of conclusive functional and genetic evidence.